The following is an entry in ClinVar:

NM_004519.4(KCNQ3):c.1946G>A (p.Arg649Gln)

Gene: KCNQ3 (potassium voltage-gated channel subfamily Q member 3; minus strand). Cytogenetic location: 8q24.22.
Variant type: single nucleotide variant.
Coding change: c.1946G>A on transcript NM_004519.4 (MANE Select); coding-DNA position 1946, G replaced by A.
Protein change: p.Arg649Gln; replaces arginine 649 with glutamine.
Molecular consequence: missense variant.
Genome position (GRCh38, 1-based): chr8:132,129,935, C>T on the plus strand (G>A on the coding strand, the complement: KCNQ3 is on the minus strand). VCF-style: chr8-132129935-C-T. GRCh37 (hg19) VCF-style: chr8-133142182-C-T.
Other names: c.1946G>A (NM_004519.3); c.1586G>A, p.Arg529Gln (NM_001204824.2); short protein forms R529Q, R649Q.
Identifiers: ClinVar variation 2185976 (VCV002185976.5), dbSNP rs532323444, ClinGen allele CA4880534.

ClinVar aggregate classification (germline): Uncertain significance. Review status: criteria provided, multiple submitters, no conflicts (2 of 4 stars). 2 submissions from 2 submitters: Uncertain significance (2). Last evaluated 2025-04-08.

Conditions:
Inborn genetic diseases. Identifiers: MedGen C0950123, MeSH D030342.
Benign neonatal seizures. Also called: Convulsions benign familial neonatal dominant form; Autosomal dominant form of benign neonatal seizures; Benign neonatal familial convulsions; Benign familial neonatal epilepsy; Benign familial neonatal seizures. Identifiers: Orphanet 1949, MedGen C0220669, MONDO:0016027.

Allele frequency attached by ClinVar (database versions not stated): ExAC 0.00002; gnomAD 0.00002; 1000 Genomes Project 30x 0.00016; 1000 Genomes Project 0.00020.
gnomAD v4.1: 21 of 1,614,042 alleles (0.0013%); highest among the groups gnomAD compares: Middle Eastern, 0.017%; no homozygotes.

Submissions (2):

Labcorp Genetics (formerly Invitae), Labcorp
Classification: Uncertain significance for Benign neonatal seizures. Last evaluated: 2025-04-08. Review status: criteria provided, single submitter. Criteria: Invitae Variant Classification Sherloc (09022015). Collection method: clinical testing. Allele origin: germline.
Comment: This sequence change replaces arginine, which is basic and polar, with glutamine, which is neutral and polar, at codon 649 of the KCNQ3 protein (p.Arg649Gln). This variant is present in population databases (rs532323444, gnomAD 0.004%). This variant has not been reported in the literature in individuals affected with KCNQ3-related conditions. ClinVar contains an entry for this variant (Variation ID: 2185976). Invitae Evidence Modeling of protein sequence and biophysical properties (such as structural, functional, and spatial information, amino acid conservation, physicochemical variation, residue mobility, and thermodynamic stability) indicates that this missense variant is not expected to disrupt KCNQ3 protein function with a negative predictive value of 95%. In summary, the available evidence is currently insufficient to determine the role of this variant in disease. Therefore, it has been classified as a Variant of Uncertain Significance.

Ambry Genetics
Classification: Uncertain significance for Inborn genetic diseases. Last evaluated: 2022-06-27. Review status: criteria provided, single submitter. Criteria: Ambry Variant Classification Scheme 2023. Collection method: clinical testing. Allele origin: germline.